The following is an entry in ClinVar:

NM_001148.6(ANK2):c.7744T>C (p.Phe2582Leu)

Genes: ANK2 (ankyrin 2; plus strand), LOC126807137 (CDK7 strongly-dependent group 2 enhancer GRCh37_chr4:114276560-114277759; plus strand). Cytogenetic location: 4q26.
Variant type: single nucleotide variant.
Coding change: c.7744T>C on transcript NM_001148.6 (MANE Select); coding-DNA position 7744, T replaced by C.
Protein change: p.Phe2582Leu; replaces phenylalanine 2582 with leucine.
Molecular consequence: missense variant. On other transcripts: intron variant (68).
Genome position (GRCh38, 1-based): chr4:113,356,362, T>C. VCF-style: chr4-113356362-T-C. GRCh37 (hg19) VCF-style: chr4-114277518-T-C.
Other names: c.4364-4461T>C (NM_001354255.2, NM_001386143.1, NM_001354243.2); c.4265-4461T>C (NM_001354262.2, NM_001354275.2, NM_001354245.2); c.4202-4461T>C (NM_001354253.2, NM_001354270.2); c.4166-4461T>C (NM_001354257.2, NM_001386156.1); c.4241-4461T>C (NM_001354249.2, NM_001354266.2, NM_001354276.2 and 2 more transcripts); c.4208-4461T>C (NM_001386146.1, NM_001386150.1, NM_001386149.1 and 1 more transcripts); c.4193-4461T>C (NM_001354274.2, NM_001386154.1); c.4142-4461T>C (NM_001386151.1, NM_001354260.2, NM_001354271.2); and 35 more; short protein forms F1382L, F2504L, F2582L, F2629L, F2621L.
Identifiers: ClinVar variation 3689650 (VCV003689650.2).

ClinVar aggregate classification (germline): Uncertain significance (1 of 4 stars; one submission).

Conditions:
Long QT syndrome (LQTS). Identifiers: MedGen C0023976, MeSH D008133, MONDO:0002442. Disease mechanism: loss of function. Inheritance: Various modes of inheritance.

gnomAD v4.1: 3 of 1,614,056 alleles (0.00019%); highest among the groups gnomAD compares: Non-Finnish European, 0.00025%; no homozygotes.

Submission:

Labcorp Genetics (formerly Invitae), Labcorp
Classification: Uncertain significance for Long QT syndrome. Last evaluated: 2024-05-21. Review status: criteria provided, single submitter. Criteria: Invitae Variant Classification Sherloc (09022015). Collection method: clinical testing. Allele origin: germline.
Comment: This sequence change replaces phenylalanine, which is neutral and non-polar, with leucine, which is neutral and non-polar, at codon 2582 of the ANK2 protein (p.Phe2582Leu). This variant is present in population databases (rs748001958, gnomAD 0.0009%). This variant has not been reported in the literature in individuals affected with ANK2-related conditions. An algorithm developed to predict the effect of missense changes on protein structure and function (PolyPhen-2) suggests that this variant is likely to be disruptive. In summary, the available evidence is currently insufficient to determine the role of this variant in disease. Therefore, it has been classified as a Variant of Uncertain Significance.